The following is an entry in ClinVar:

NM_000388.4(CASR):c.1608+3A>G

Gene: CASR (calcium sensing receptor; plus strand). Cytogenetic location: 3q21.1.
Variant type: single nucleotide variant.
Coding change: c.1608+3A>G on transcript NM_000388.4 (MANE Select); 3 bases into the intron after coding-DNA position 1608, A replaced by G.
Molecular consequence: intron variant.
Genome position (GRCh38, 1-based): chr3:122,276,045, A>G. VCF-style: chr3-122276045-A-G. GRCh37 (hg19) VCF-style: chr3-121994892-A-G.
Other names: c.1608+3A>G (NM_001178065.2).
Identifiers: ClinVar variation 1357161 (VCV001357161.8), dbSNP rs2074815932, ClinGen allele CA1052941827.

ClinVar aggregate classification (germline): Uncertain significance (1 of 4 stars; one submission).

Conditions:
Familial hypocalciuric hypercalcemia (FHH). Also called: Familial benign hypercalcemia. Identifiers: Orphanet 405, MedGen C1809471, MONDO:0018458.
Autosomal dominant hypocalcemia 1 (HYPOC1). Also called: HYPOCALCEMIA, FAMILIAL. Identifiers: MedGen C3715128, MONDO:0011013, OMIM 601198.

Allele frequency attached by ClinVar (database versions not stated): gnomAD 0.00001; TOPMed 0.00001.
gnomAD v4.1: 1 of 1,584,274 alleles (0.000063%); highest among the groups gnomAD compares: African/African-American, 0.0013%; no homozygotes.

Submission:

Labcorp Genetics (formerly Invitae), Labcorp
Classification: Uncertain significance for Familial hypocalciuric hypercalcemia; Autosomal dominant hypocalcemia 1. Last evaluated: 2021-02-13. Review status: criteria provided, single submitter. Criteria: Invitae Variant Classification Sherloc (09022015). Collection method: clinical testing. Allele origin: germline.
Comment: This variant has been observed in individual(s) with clinical features of familial hypocalciuric hypercalcemia (PMID: 31967040). This variant is not present in population databases (ExAC no frequency). This sequence change falls in intron 5 of the CASR gene. It does not directly change the encoded amino acid sequence of the CASR protein. It affects a nucleotide within the consensus splice site of the intron. Nucleotide substitutions within the consensus splice site are a relatively common cause of aberrant splicing (PMID: 17576681, 9536098). Algorithms developed to predict the effect of sequence changes on RNA splicing suggest that this variant may disrupt the consensus splice site, but this prediction has not been confirmed by published transcriptional studies. In summary, the available evidence is currently insufficient to determine the role of this variant in disease. Therefore, it has been classified as a Variant of Uncertain Significance.

Literature cited by the submitters: PubMed 31967040; PubMed 17576681; PubMed 9536098.